The following is an entry in ClinVar:

NM_001130987.2(DYSF):c.4705G>A (p.Gly1569Ser)

Gene: DYSF (dysferlin; plus strand). Cytogenetic location: 2p13.2.
Variant type: single nucleotide variant.
Coding change: c.4705G>A on transcript NM_001130987.2 (MANE Select); coding-DNA position 4705, G replaced by A.
Protein change: p.Gly1569Ser; replaces glycine 1569 with serine.
Molecular consequence: missense variant.
Genome position (GRCh38, 1-based): chr2:71,656,240, G>A. VCF-style: chr2-71656240-G-A. GRCh37 (hg19) VCF-style: chr2-71883370-G-A.
Other names: c.4681G>A, p.Gly1561Ser (NM_001130979.2); c.4639G>A, p.Gly1547Ser (NM_001130980.2); c.4702G>A, p.Gly1568Ser (NM_001130981.2); c.4684G>A, p.Gly1562Ser (NM_001130982.2); c.4654G>A, p.Gly1552Ser (NM_001130983.2); c.4612G>A, p.Gly1538Ser (NM_001130984.2); c.4642G>A, p.Gly1548Ser (NM_001130985.2); c.4549G>A, p.Gly1517Ser (NM_001130986.2); and 5 more; short protein forms G1517S, G1530S, G1561S, G1562S, G1548S, G1551S, G1516S, G1537S.
Identifiers: ClinVar variation 645663 (VCV000645663.9), dbSNP rs1463145288, ClinGen allele CA347219464.

ClinVar aggregate classification (germline): Uncertain significance. Review status: criteria provided, multiple submitters, no conflicts (2 of 4 stars). 3 submissions from 3 submitters: Uncertain significance (2). 1 of the submissions does not count toward it. Last evaluated 2021-09-01.

Conditions:
Autosomal recessive limb-girdle muscular dystrophy type 2B (LGMDR2). Also called: MUSCULAR DYSTROPHY, LIMB-GIRDLE, TYPE 3; MUSCULAR DYSTROPHY, LIMB-GIRDLE, AUTOSOMAL RECESSIVE 2; Limb-Girdle Muscular Dystrophy Type 2B (LGMD2B); Limb-girdle muscular dystrophy, type 2B. Identifiers: Orphanet 268, MedGen C1850889, MONDO:0009676, OMIM 253601.
Neuromuscular disease caused by qualitative or quantitative defects of dysferlin. Also called: Qualitative or quantitative defects of dysferlin; Dysferlinopathy. Identifiers: Orphanet 207073, MedGen C2931687, MONDO:0016145.

Allele frequency attached by ClinVar (database versions not stated): gnomAD exomes below 0.00001; gnomAD 0.00001.
gnomAD v4.1: 9 of 1,614,072 alleles (0.00056%); highest among the groups gnomAD compares: African/African-American, 0.0013%; no homozygotes.

Submissions (3):

Labcorp Genetics (formerly Invitae), Labcorp
Classification: Uncertain significance for Neuromuscular disease caused by qualitative or quantitative defects of dysferlin. Last evaluated: 2021-09-01. Review status: criteria provided, single submitter. Criteria: Invitae Variant Classification Sherloc (09022015). Collection method: clinical testing. Allele origin: germline.
Comment: This sequence change replaces glycine with serine at codon 1530 of the DYSF protein (p.Gly1530Ser). The glycine residue is highly conserved and there is a small physicochemical difference between glycine and serine. This variant is not present in population databases (ExAC no frequency). This variant has not been reported in the literature in individuals affected with DYSF-related conditions. Algorithms developed to predict the effect of missense changes on protein structure and function are either unavailable or do not agree on the potential impact of this missense change (SIFT: "Deleterious"; PolyPhen-2: "Probably Damaging"; Align-GVGD: "Class C0"). In summary, the available evidence is currently insufficient to determine the role of this variant in disease. Therefore, it has been classified as a Variant of Uncertain Significance.

Revvity Omics, Revvity
Classification: Uncertain significance. Last evaluated: 2019-03-15. Review status: criteria provided, single submitter. Criteria: ACMG Guidelines, 2015. Collection method: clinical testing. Allele origin: germline.

Natera, Inc.
Classification: Uncertain significance for Limb-girdle muscular dystrophy type 2B. Last evaluated: 2021-04-09. Review status: no assertion criteria provided. Collection method: clinical testing. Allele origin: germline. Not counted in ClinVar's aggregate classification.